The following is an entry in ClinVar:

NM_018706.7(DHTKD1):c.1904A>G (p.Asn635Ser)

Gene: DHTKD1 (dehydrogenase E1 and transketolase domain containing 1; plus strand). Cytogenetic location: 10p14.
Variant type: single nucleotide variant.
Coding change: c.1904A>G on transcript NM_018706.7 (MANE Select); coding-DNA position 1904, A replaced by G.
Protein change: p.Asn635Ser; replaces asparagine 635 with serine.
Molecular consequence: missense variant.
Genome position (GRCh38, 1-based): chr10:12,106,253, A>G. VCF-style: chr10-12106253-A-G. GRCh37 (hg19) VCF-style: chr10-12148252-A-G.
Other names: short protein forms N635S.
Identifiers: ClinVar variation 2530845 (VCV002530845.4), dbSNP rs765879482, ClinGen allele CA5408070.

ClinVar aggregate classification (germline): Uncertain significance. Review status: criteria provided, multiple submitters, no conflicts (2 of 4 stars). 2 submissions from 2 submitters: Uncertain significance (2). Last evaluated 2024-09-29.

Conditions:
Inborn genetic diseases. Identifiers: MedGen C0950123, MeSH D030342.
2-aminoadipic 2-oxoadipic aciduria (AAKAD). Also called: ALPHA-AMINOADIPIC AND ALPHA-KETOADIPIC ACIDURIA; Aminoadipic aciduria. Identifiers: Orphanet 79154, MedGen C1859817, MONDO:0008774, OMIM 204750.

Allele frequency attached by ClinVar (database versions not stated): ExAC 0.00002; gnomAD exomes 0.00006.
gnomAD v4.1: 36 of 1,614,144 alleles (0.0022%); highest among the groups gnomAD compares: East Asian, 0.08%; no homozygotes.

Submissions (2):

Labcorp Genetics (formerly Invitae), Labcorp
Classification: Uncertain significance for 2-aminoadipic 2-oxoadipic aciduria. Last evaluated: 2024-09-29. Review status: criteria provided, single submitter. Criteria: Invitae Variant Classification Sherloc (09022015). Collection method: clinical testing. Allele origin: germline.
Comment: This sequence change replaces asparagine, which is neutral and polar, with serine, which is neutral and polar, at codon 635 of the DHTKD1 protein (p.Asn635Ser). This variant is present in population databases (rs765879482, gnomAD 0.04%). This variant has not been reported in the literature in individuals affected with DHTKD1-related conditions. ClinVar contains an entry for this variant (Variation ID: 2530845). Invitae Evidence Modeling of protein sequence and biophysical properties (such as structural, functional, and spatial information, amino acid conservation, physicochemical variation, residue mobility, and thermodynamic stability) indicates that this missense variant is expected to disrupt DHTKD1 protein function with a positive predictive value of 80%. In summary, the available evidence is currently insufficient to determine the role of this variant in disease. Therefore, it has been classified as a Variant of Uncertain Significance.

Ambry Genetics
Classification: Uncertain significance for Inborn genetic diseases. Last evaluated: 2023-03-29. Review status: criteria provided, single submitter. Criteria: Ambry Variant Classification Scheme 2023. Collection method: clinical testing. Allele origin: germline.